The following is an entry in ClinVar:

ClinVar aggregate classification (germline): Pathogenic (1 of 4 stars; one submission).

Conditions:
Joubert syndrome. Also called: CEREBELLOPARENCHYMAL DISORDER IV; JOUBERT-BOLTSHAUSER SYNDROME; Familial aplasia of the vermis. Identifiers: Orphanet 475, MedGen C5979921, MONDO:0018772.
Meckel-Gruber syndrome. Also called: DYSENCEPHALIA SPLANCHNOCYSTICA; GRUBER SYNDROME; Dysencephalia splachnocystica. Identifiers: Orphanet 564, MedGen C0265215, MONDO:0018921.

Submission:

Labcorp Genetics (formerly Invitae), Labcorp
Classification: Pathogenic for Joubert syndrome; Meckel-Gruber syndrome. Last evaluated: 2025-01-15. Review status: criteria provided, single submitter. Criteria: Invitae Variant Classification Sherloc (09022015). Collection method: clinical testing. Allele origin: germline.
Comment: This sequence change creates a premature translational stop signal (p.Ser7Alafs*152) in the B9D1 gene. While this is not anticipated to result in nonsense mediated decay, it is expected to disrupt the last 198 amino acid(s) of the B9D1 protein. This variant is not present in population databases (gnomAD no frequency). This variant has not been reported in the literature in individuals affected with B9D1-related conditions. This variant disrupts a region of the B9D1 protein in which other variant(s) (p.Arg156Gln) have been determined to be pathogenic (PMID: 24886560; internal data). This suggests that this is a clinically significant region of the protein, and that variants that disrupt it are likely to be disease-causing. For these reasons, this variant has been classified as Pathogenic.

Literature cited by the submitters: PubMed 24886560.

NM_015681.6(B9D1):c.19del (p.Ser7fs)

Genes: B9D1 (B9 domain containing 1; minus strand), LOC130060455 (ATAC-STARR-seq lymphoblastoid silent region 8288; plus strand). Cytogenetic location: 17p11.2.
Variant type: Deletion.
Coding change: c.19del on transcript NM_015681.6 (MANE Select); coding-DNA position 19, one base deleted (A; older notation c.19delA).
Protein change: p.Ser7fs; shifts the reading frame from serine 7.
Molecular consequence: frameshift variant. On other transcripts: intron variant (1).
Genome position (GRCh38, 1-based): chr17:19,362,551, T deleted on the plus strand (A on the coding strand, the reverse complement: B9D1 is on the minus strand). VCF-style (leftmost placement, unchanged base first): chr17-19362550-CT-C. GRCh37 (hg19) VCF-style: chr17-19265863-CT-C.
Other names: c.19del, p.Ser7fs (NM_001321214.2, NM_001321215.3, NM_001321216.2 and 4 more transcripts); c.-297-2163del (NM_001368769.2); short protein forms S7fs.
Identifiers: ClinVar variation 3752879 (VCV003752879.2).